The following is an entry in ClinVar:

NM_000368.5(TSC1):c.460T>C (p.Phe154Leu)

Gene: TSC1 (TSC complex subunit 1; minus strand). Cytogenetic location: 9q34.13.
Variant type: single nucleotide variant.
Coding change: c.460T>C on transcript NM_000368.5 (MANE Select); coding-DNA position 460, T replaced by C.
Protein change: p.Phe154Leu; replaces phenylalanine 154 with leucine.
Molecular consequence: missense variant. On other transcripts: 5 prime UTR variant (5), non-coding transcript variant (5).
Genome position (GRCh38, 1-based): chr9:132,923,396, A>G on the plus strand (T>C on the coding strand, the complement: TSC1 is on the minus strand). VCF-style: chr9-132923396-A-G. GRCh37 (hg19) VCF-style: chr9-135798783-A-G.
Other names: c.460T>C, p.Phe154Leu (NM_001162426.2, NM_001406592.1, NM_001406593.1 and 16 more transcripts); c.307T>C, p.Phe103Leu (NM_001162427.2, NM_001406610.1, NM_001406611.1 and 2 more transcripts); c.97T>C, p.Phe33Leu (NM_001362177.2, NM_001406614.1, NM_001406615.1 and 10 more transcripts); c.-418T>C (NM_001406626.1, NM_001406627.1, NM_001406628.1); c.-560T>C (NM_001406629.1); c.-634T>C (NM_001406630.1); short protein forms F103L, F33L, F154L.
Identifiers: ClinVar variation 3811256 (VCV003811256.1).

ClinVar aggregate classification (germline): Uncertain significance (1 of 4 stars; one submission).

Conditions:
Hereditary cancer-predisposing syndrome. Also called: Neoplastic Syndromes, Hereditary; Hereditary Cancer Syndrome; Tumor predisposition; Hereditary neoplastic syndrome. Identifiers: Orphanet 140162, MedGen C0027672, MeSH D009386, MONDO:0015356.

Submission:

Ambry Genetics
Classification: Uncertain significance for Hereditary cancer-predisposing syndrome. Last evaluated: 2025-02-24. Review status: criteria provided, single submitter. Criteria: Ambry Variant Classification Scheme 2023. Collection method: clinical testing. Allele origin: germline.
Comment: The p.F154L variant (also known as c.460T>C), located in coding exon 4 of the TSC1 gene, results from a T to C substitution at nucleotide position 460. The phenylalanine at codon 154 is replaced by leucine, an amino acid with highly similar properties. This amino acid position is conserved. In addition, this alteration is predicted to be deleterious by in silico analysis. Based on the available evidence, the clinical significance of this variant remains unclear.